The following is an entry in ClinVar:

NM_003491.4(NAA10):c.346C>T (p.Arg116Trp)

Gene: NAA10 (N-alpha-acetyltransferase 10, NatA catalytic subunit; minus strand). Cytogenetic location: Xq28.
Variant type: single nucleotide variant.
Coding change: c.346C>T on transcript NM_003491.4 (MANE Select); coding-DNA position 346, C replaced by T.
Protein change: p.Arg116Trp; replaces arginine 116 with tryptophan.
Molecular consequence: missense variant. On other transcripts: intron variant (1).
Genome position (GRCh38, 1-based): chrX:153,932,111, G>A on the plus strand (C>T on the coding strand, the complement: NAA10 is on the minus strand). VCF-style: chrX-153932111-G-A. GRCh37 (hg19) VCF-style: chrX-153197564-G-A.
Other names: c.328C>T, p.Arg110Trp (NM_001256120.2); c.341+205C>T (NM_001256119.2); short protein forms R116W, R110W.
Identifiers: ClinVar variation 139644 (VCV000139644.54), dbSNP rs587780563, ClinGen allele CA163382.
Genomic context (GRCh38, chrX:153,932,111, plus strand): 5'-AAAAATCGAGATCTACTTACTGAAAGTTGAGGGTGTTGGAATAGAGGTGCAGGGCGGCCC[G>A]GTTACTGCAGGGGAACAAGGCACTGCTGAGCTGCACGGATTTGGCCAGGGAGGGGTAGCA-3'
Protein context (NP_003482.1, residues 106-126): YVSLHVRKSN[Arg116Trp]AALHLYSNTL

ClinVar aggregate classification (germline): Pathogenic/Likely pathogenic. Review status: criteria provided, multiple submitters, no conflicts (2 of 4 stars). 15 submissions from 15 submitters: Pathogenic (9); Likely pathogenic (1). 5 of the submissions do not count toward it. Last evaluated 2026-08-06.

Conditions:
Paediatric disorders.
NAA10-related disorder. Also called: NAA10-related condition; NAA10-related disorders.
Ogden syndrome (OGDNS). Also called: N-TERMINAL ACETYLTRANSFERASE DEFICIENCY. Identifiers: Orphanet 276432, MedGen C3275447, MONDO:0010457, OMIM 300855.

Submissions (15):

NHS Central & South Genomic Laboratory Hub
Classification: Pathogenic for Paediatric disorders. Last evaluated: 2026-08-06. Review status: criteria provided, single submitter. Criteria: ACMG Guidelines, 2015. Collection method: clinical testing. Allele origin: germline. Affected: yes.

PreventionGenetics, part of Exact Sciences
Classification: Pathogenic for NAA10-related condition. Last evaluated: 2023-10-04. Review status: criteria provided, single submitter. Criteria: ACMG Guidelines, 2015. Collection method: clinical testing. Allele origin: germline.
Comment: The NAA10 c.346C>T variant is predicted to result in the amino acid substitution p.Arg116Trp. This variant has been reported in the heterozygous and hemizygous states in patients with intellectual disability, development delay and eyelid myoclonus; in the majority of cases, this variant was found to be de novo (see for example, Rauch et al. 2012. PubMed ID: 23020937; Valentine et al. 2018. PubMed ID: 29957440; Baker et al. 2019. PubMed ID: 30577886). This variant has not been reported in a large population database, indicating it is rare in the general population. This variant is interpreted as pathogenic.

Blueprint Genetics
Classification: Pathogenic for NAA10-related disorders. Last evaluated: 2023-04-14. Review status: criteria provided, single submitter. Criteria: ACMG Guidelines, 2015. Collection method: clinical testing. Allele origin: germline. Affected: yes. Observed: 1 variant allele.

3billion
Classification: Pathogenic for Ogden syndrome. Last evaluated: 2023-02-23. Review status: criteria provided, single submitter. Criteria: ACMG Guidelines, 2015. Collection method: clinical testing. Allele origin: unknown. Affected: yes.
Comment: The variant is not observed in the gnomAD v2.1.1 dataset. Missense changes are a common disease-causing mechanism. In silico tool predictions suggest damaging effect of the variant on gene or gene product (3Cnet: 0.96). Same nucleotide change resulting in same amino acid change has been previously reported as pathogenic/likely pathogenic with strong evidence (ClinVar ID: VCV000139644). The variant has been previously reported as de novo in a similarly affected individual (PMID: 27094817). A different missense change at the same codon (p.Arg116Gln) has been reported to be associated with NAA10 related disorder (ClinVar ID: VCV001326724). Therefore, this variant is classified as Pathogenic according to the recommendation of ACMG/AMP guideline.

Laboratorio de Genetica e Diagnostico Molecular, Hospital Israelita Albert Einstein
Classification: Likely pathogenic for Ogden syndrome. Last evaluated: 2022-10-29. Review status: criteria provided, single submitter. Criteria: ACMG Guidelines, 2015. Collection method: clinical testing. Allele origin: germline. Affected: yes. Observed: 1 variant allele.
Comment: ACMG classification criteria: PS3 supporting, PS4 strong, PM2 moderated, PM6 moderated

GeneDx
Classification: Pathogenic. Last evaluated: 2021-11-28. Review status: criteria provided, single submitter. Criteria: GeneDx Variant Classification Process June 2021. Collection method: clinical testing. Allele origin: germline. Affected: yes.
Comment: Published functional studies demonstrate a damaging effect; a reduction in the catalytic activity (Popp et al., 2015); Not observed in large population cohorts (Lek et al., 2016); In silico analysis supports that this missense variant has a deleterious effect on protein structure/function; In-silico analysis is inconclusive as to whether the variant alters gene splicing. In the absence of RNA/functional studies, the actual effect of this sequence change is unknown.; This variant is associated with the following publications: (PMID: 25099252, 23871722, 23020937, 27296530, 27094817, 29957440, 30577886)

CeGaT Center for Human Genetics Tuebingen
Classification: Pathogenic. Last evaluated: 2021-01-01. Review status: criteria provided, single submitter. Criteria: CeGaT Center For Human Genetics Tuebingen Variant Classification Criteria Version 2. Collection method: clinical testing. Allele origin: germline. Affected: yes. Observed: 1 variant allele.

Institute of Human Genetics, University of Leipzig Medical Center
Classification: Pathogenic for Ogden syndrome. Last evaluated: 2019-08-08. Review status: criteria provided, single submitter. Criteria: ACMG Guidelines, 2015. Collection method: clinical testing. Allele origin: germline. Affected: yes. Observed: 1 variant allele.

Institute of Human Genetics, FAU Erlangen, Friedrich-Alexander-Universität Erlangen-Nürnberg
Classification: Pathogenic for Ogden syndrome. Last evaluated: 2016-03-31. Review status: criteria provided, single submitter. Criteria: ACMG Guidelines, 2015. Collection method: clinical testing. Allele origin: de novo. Affected: yes.

Rady Children's Institute for Genomic Medicine, Rady Children's Hospital San Diego
Classification: Pathogenic for NAA10-Related disorders. Review status: criteria provided, single submitter. Criteria: ACMG Guidelines, 2015. Collection method: clinical testing. Allele origin: germline. Affected: yes.
Comment: This variant has been previously reported as a de novo change in several individuals with NAA10-related disorder (PMID: 25099252, 29957440). In vitro studies using N-terminal acetylation assays demonstrated protein with this variant had significant reduction in the catalytic activity of the enzyme in comparison to wild type protein (PMID: 25099252). The c.346C>T (p.Arg116Trp) variant is absent from the gnomAD population database and thus is presumed to be rare. The c.346C>T (p.Arg116Trp) variant affects a highly conserved amino acid; however, in silico tools used to predict the effect of this variant on protein function yield discordant results. Analysis of the parental samples was negative for the variant, indicating this variant likely occurred as a de novo event. Based on the available evidence, the c.346C>T (p.Arg116Trp) variant is classified as a Pathogenic.

Laboratory of Medical Genetics, University of Torino
Classification: Pathogenic for Ogden syndrome. Last evaluated: 2022-10-09. Review status: no assertion criteria provided. Collection method: research. Allele origin: de novo. Affected: yes. Not counted in ClinVar's aggregate classification.

OMIM
Classification: Pathogenic for OGDEN SYNDROME. Last evaluated: 2015-05-01. Review status: no assertion criteria provided. Collection method: literature only. Allele origin: germline. Not counted in ClinVar's aggregate classification.

Diagnostic Laboratory, Department of Genetics, University Medical Center Groningen
Classification: Pathogenic for Ogden syndrome. Review status: no assertion criteria provided. Collection method: clinical testing. Allele origin: germline. Affected: yes. Study: VKGL Data-share Consensus. Not counted in ClinVar's aggregate classification.

Genome Diagnostics Laboratory, University Medical Center Utrecht
Classification: Likely pathogenic. Review status: no assertion criteria provided. Collection method: clinical testing. Allele origin: germline. Affected: yes. Study: VKGL Data-share Consensus. Not counted in ClinVar's aggregate classification.

Joint Genome Diagnostic Labs from Nijmegen and Maastricht, Radboudumc and MUMC+
Classification: Pathogenic. Review status: no assertion criteria provided. Collection method: clinical testing. Allele origin: germline. Affected: yes. Study: VKGL Data-share Consensus. Not counted in ClinVar's aggregate classification.

Literature cited by the submitters: PubMed 27094817 (cited by 3 submitters); PubMed 25099252 (cited by OMIM); PubMed 23020937 (cited by OMIM).